The following is an entry in ClinVar:

ClinVar aggregate classification (germline): Uncertain significance (1 of 4 stars; one submission).

Allele frequency attached by ClinVar (database versions not stated): ExAC 0.00001; gnomAD 0.00002.
gnomAD v4.1: 12 of 1,614,074 alleles (0.00074%); highest among the groups gnomAD compares: Admixed American, 0.0083%; no homozygotes.

Submission:

Labcorp Genetics (formerly Invitae), Labcorp
Classification: Uncertain significance. Last evaluated: 2024-05-07. Review status: criteria provided, single submitter. Criteria: Invitae Variant Classification Sherloc (09022015). Collection method: clinical testing. Allele origin: germline.
Comment: This sequence change replaces proline, which is neutral and non-polar, with threonine, which is neutral and polar, at codon 976 of the REST protein (p.Pro976Thr). This variant is present in population databases (rs529390824, gnomAD 0.009%). This variant has not been reported in the literature in individuals affected with REST-related conditions. ClinVar contains an entry for this variant (Variation ID: 2180442). Algorithms developed to predict the effect of missense changes on protein structure and function output the following: SIFT: "Not Available"; PolyPhen-2: "Benign"; Align-GVGD: "Not Available". The threonine amino acid residue is found in multiple mammalian species, which suggests that this missense change does not adversely affect protein function. In summary, the available evidence is currently insufficient to determine the role of this variant in disease. Therefore, it has been classified as a Variant of Uncertain Significance.

NM_005612.5(REST):c.2926C>A (p.Pro976Thr)

Gene: REST (RE1 silencing transcription factor; plus strand). Cytogenetic location: 4q12.
Variant type: single nucleotide variant.
Coding change: c.2926C>A on transcript NM_005612.5 (MANE Select); coding-DNA position 2926, C replaced by A.
Protein change: p.Pro976Thr; replaces proline 976 with threonine.
Molecular consequence: missense variant.
Genome position (GRCh38, 1-based): chr4:56,931,784, C>A. VCF-style: chr4-56931784-C-A. GRCh37 (hg19) VCF-style: chr4-57797950-C-A.
Other names: c.2926C>A, p.Pro976Thr (NM_001193508.2, NM_001363453.3); short protein forms P976T.
Identifiers: ClinVar variation 2180442 (VCV002180442.4), dbSNP rs529390824, ClinGen allele CA2932585.